The following is an entry in ClinVar:

ClinVar aggregate classification (germline): Benign/Likely benign. Review status: criteria provided, multiple submitters, no conflicts (2 of 4 stars). 3 submissions from 3 submitters: Benign (1); Likely benign (2). Last evaluated 2025-09-09.

Allele frequency attached by ClinVar (database versions not stated): gnomAD exomes 0.00011 and 0.00018; ExAC 0.00024; ESP Exome Variant Server 0.00062; gnomAD 0.00116 and 0.00123; TOPMed 0.00121; 1000 Genomes Project 30x 0.00172; 1000 Genomes Project 0.00180.

Submissions (3):

Labcorp Genetics (formerly Invitae), Labcorp
Classification: Likely benign. Last evaluated: 2025-09-09. Review status: criteria provided, single submitter. Criteria: Invitae Variant Classification Sherloc (09022015). Collection method: clinical testing. Allele origin: germline.

GeneDx
Classification: Benign. Last evaluated: 2015-01-27. Review status: criteria provided, single submitter. Criteria: GeneDx Variant Classification (06012015). Collection method: clinical testing. Allele origin: germline. Affected: yes.
Comment: This variant is considered likely benign or benign based on one or more of the following criteria: it is a conservative change, it occurs at a poorly conserved position in the protein, it is predicted to be benign by multiple in silico algorithms, and/or has population frequency not consistent with disease.

Breakthrough Genomics
Classification: Likely benign. Review status: criteria provided, single submitter. Criteria: ACMG Guidelines, 2015. Collection method: not provided. Allele origin: germline. Inheritance: Autosomal recessive inheritance. Affected: yes.

NM_016065.4(MRPS16):c.112C>A (p.His38Asn)

Genes: DNAJC9-AS1 (DNAJC9 and MRPS16 antisense RNA 1; plus strand), MRPS16 (mitochondrial ribosomal protein S16; minus strand). Cytogenetic location: 10q22.2.
Variant type: single nucleotide variant.
Coding change: c.112C>A on transcript NM_016065.4 (MANE Select); coding-DNA position 112, C replaced by A.
Protein change: p.His38Asn; replaces histidine 38 with asparagine.
Molecular consequence: missense variant.
Genome position (GRCh38, 1-based): chr10:73,251,925, G>T on the plus strand (C>A on the coding strand, the complement: MRPS16 is on the minus strand). VCF-style: chr10-73251925-G-T. GRCh37 (hg19) VCF-style: chr10-75011683-G-T.
Other names: short protein forms H38N.
Identifiers: ClinVar variation 214670 (VCV000214670.11), dbSNP rs116157972, ClinGen allele CA323705.
Genomic context (GRCh38, chr10:73,251,925, plus strand): 5'-GCAATGGATCATAGGAGCCCAGCTGCTCTACGAAACGGCCATCCCTGGGACACTTGTTGT[G>T]AGCAGCCACAATGCGGTAGAACGGCCGATTGGTGCAGCCACCCAGGGCAAGGCGGATGGT-3'
Protein context (NP_057149.1, residues 28-48): NRPFYRIVAA[His38Asn]NKCPRDGRFV